The following is an entry in ClinVar:

ClinVar aggregate classification (germline): Likely benign (1 of 4 stars; one submission).

gnomAD v4.1: 3 of 1,124,124 alleles (0.00027%); highest among the groups gnomAD compares: Non-Finnish European, 0.00034%; no homozygotes.

Submission:

CeGaT Center for Human Genetics Tuebingen
Classification: Likely benign. Last evaluated: 2025-08-01. Review status: criteria provided, single submitter. Criteria: CeGaT Center For Human Genetics Tuebingen Variant Classification Criteria Version 2. Collection method: clinical testing. Allele origin: germline. Affected: yes. Observed: 1 variant allele.
Comment: NACAD: BP4, BP7

NM_001146334.2(NACAD):c.1962G>A (p.Ser654=)

Gene: NACAD (NAC alpha domain containing; minus strand). Cytogenetic location: 7p13.
Variant type: single nucleotide variant.
Coding change: c.1962G>A on transcript NM_001146334.2 (MANE Select); coding-DNA position 1962, G replaced by A.
Protein change: p.Ser654=; no amino-acid change (serine 654 retained).
Molecular consequence: synonymous variant.
Genome position (GRCh38, 1-based): chr7:45,084,218, C>T on the plus strand (G>A on the coding strand, the complement: NACAD is on the minus strand). VCF-style: chr7-45084218-C-T. GRCh37 (hg19) VCF-style: chr7-45123817-C-T.
Identifiers: ClinVar variation 4280948 (VCV004280948.7).
Genomic context (GRCh38, chr7:45,084,218, plus strand): 5'-GAGGCCCTCTTCAGCCTGCTGGGACACAAGCGTGGCTGCAGCCACAGGCTTTGGGGCTGA[C>T]GAGAGTTCTGTGTCTTGTAGGGGCAGAGGCGGTGTCATAACGGAGTCCTGGGGTAAGGTG-3'
Protein context (NP_001139806.1, residues 644-664): PPLPLQDTEL[Ser654=]SAPKPVAAAT